The following is an entry in ClinVar:

ClinVar aggregate classification (germline): Uncertain significance (1 of 4 stars; one submission).

gnomAD v4.1: 1 of 1,614,152 alleles (0.000062%); highest among the groups gnomAD compares: Admixed American, 0.0017%; no homozygotes.

Submission:

Labcorp Genetics (formerly Invitae), Labcorp
Classification: Uncertain significance. Last evaluated: 2024-04-24. Review status: criteria provided, single submitter. Criteria: Invitae Variant Classification Sherloc (09022015). Collection method: clinical testing. Allele origin: germline.
Comment: This sequence change replaces serine, which is neutral and polar, with arginine, which is basic and polar, at codon 1104 of the CDK13 protein (p.Ser1104Arg). This variant is present in population databases (no rsID available, gnomAD 0.003%). This variant has not been reported in the literature in individuals affected with CDK13-related conditions. Advanced modeling of protein sequence and biophysical properties (such as structural, functional, and spatial information, amino acid conservation, physicochemical variation, residue mobility, and thermodynamic stability) has been performed at Invitae for this missense variant, however the output from this modeling did not meet the statistical confidence thresholds required to predict the impact of this variant on CDK13 protein function. In summary, the available evidence is currently insufficient to determine the role of this variant in disease. Therefore, it has been classified as a Variant of Uncertain Significance.

NM_003718.5(CDK13):c.3312T>G (p.Ser1104Arg)

Gene: CDK13 (cyclin dependent kinase 13; plus strand). Cytogenetic location: 7p14.1.
Variant type: single nucleotide variant.
Coding change: c.3312T>G on transcript NM_003718.5 (MANE Select); coding-DNA position 3312, T replaced by G.
Protein change: p.Ser1104Arg; replaces serine 1104 with arginine.
Molecular consequence: missense variant. On other transcripts: intron variant (1).
Genome position (GRCh38, 1-based): chr7:40,092,861, T>G. VCF-style: chr7-40092861-T-G. GRCh37 (hg19) VCF-style: chr7-40132460-T-G.
Other names: c.3236-104T>G (NM_031267.3); short protein forms S1104R.
Identifiers: ClinVar variation 3689894 (VCV003689894.2).